The following is an entry in ClinVar:

NM_007294.4(BRCA1):c.4753C>T (p.Pro1585Ser)

Gene: BRCA1 (BRCA1 DNA repair associated; minus strand). Cytogenetic location: 17q21.31.
Variant type: single nucleotide variant.
Coding change: c.4753C>T on transcript NM_007294.4 (MANE Select); coding-DNA position 4753, C replaced by T.
Protein change: p.Pro1585Ser; replaces proline 1585 with serine.
Molecular consequence: missense variant. On other transcripts: non-coding transcript variant (1).
Genome position (GRCh38, 1-based): chr17:43,071,161, G>A on the plus strand (C>T on the coding strand, the complement: BRCA1 is on the minus strand). VCF-style: chr17-43071161-G-A. GRCh37 (hg19) VCF-style: chr17-41223178-G-A.
Other names: c.1300C>T, p.Pro434Ser (NM_001408466.1, NM_001408467.1, NM_001408458.1 and 7 more transcripts); c.1297C>T, p.Pro433Ser (NM_001408468.1, NM_001408470.1, NM_001408469.1); c.4630C>T, p.Pro1544Ser (NM_001407669.1, NM_001407668.1, NM_001407664.1 and 6 more transcripts); c.4540C>T, p.Pro1514Ser (NM_001407571.1, NM_001407894.1, NM_001407895.1 and 12 more transcripts); c.4819C>T, p.Pro1607Ser (NM_001407581.1, NM_001407582.1); c.4816C>T, p.Pro1606Ser (NM_001407583.1, NM_001407585.1, NM_001407587.1 and 1 more transcripts); c.4813C>T, p.Pro1605Ser (NM_001407590.1, NM_001407591.1); c.4753C>T, p.Pro1585Ser (NM_001407593.1, NM_001407594.1, NM_001407596.1 and 8 more transcripts); and 70 more; short protein forms P1585S, P1538S, P1606S, P481S, P394S, P400S, P411S, P414S.
Identifiers: ClinVar variation 1742857 (VCV001742857.2), dbSNP rs267604892, ClinGen allele CA10592002.

ClinVar aggregate classification (germline): Uncertain significance (1 of 4 stars; one submission).

Conditions:
Hereditary cancer-predisposing syndrome. Also called: Hereditary Cancer Syndrome; Hereditary neoplastic syndrome; Neoplastic Syndromes, Hereditary; Tumor predisposition. Identifiers: Orphanet 140162, MedGen C0027672, MeSH D009386, MONDO:0015356.

Allele frequency attached by ClinVar (database versions not stated): gnomAD exomes below 0.00001.
gnomAD v4.1: 1 of 1,614,150 alleles (0.000062%); highest among the groups gnomAD compares: Non-Finnish European, 0.000085%; no homozygotes.

Submission:

Ambry Genetics
Classification: Uncertain significance for Hereditary cancer-predisposing syndrome. Last evaluated: 2022-05-19. Review status: criteria provided, single submitter. Criteria: Ambry Variant Classification Scheme 2023. Collection method: clinical testing. Allele origin: germline.
Comment: The p.P1585S variant (also known as c.4753C>T), located in coding exon 14 of the BRCA1 gene, results from a C to T substitution at nucleotide position 4753. The proline at codon 1585 is replaced by serine, an amino acid with similar properties. This amino acid position is conserved. In addition, the in silico prediction for this alteration is inconclusive. Since supporting evidence is limited at this time, the clinical significance of this alteration remains unclear.